The following is an entry in ClinVar:

NM_152617.4(RNF168):c.1202C>A (p.Pro401Gln)

Gene: RNF168 (ring finger protein 168; minus strand). Cytogenetic location: 3q29.
Variant type: single nucleotide variant.
Coding change: c.1202C>A on transcript NM_152617.4 (MANE Select); coding-DNA position 1202, C replaced by A.
Protein change: p.Pro401Gln; replaces proline 401 with glutamine.
Molecular consequence: missense variant.
Genome position (GRCh38, 1-based): chr3:196,472,333, G>T on the plus strand (C>A on the coding strand, the complement: RNF168 is on the minus strand). VCF-style: chr3-196472333-G-T. GRCh37 (hg19) VCF-style: chr3-196199204-G-T.
Other names: short protein forms P401Q.
Identifiers: ClinVar variation 403381 (VCV000403381.17), dbSNP rs3796129, ClinGen allele CA2780703.

ClinVar aggregate classification (germline): Benign/Likely benign. Review status: criteria provided, multiple submitters, no conflicts (2 of 4 stars). 7 submissions from 7 submitters: Benign (6); Likely benign (1). Last evaluated 2026-02-04.

Conditions:
RIDDLE syndrome. Identifiers: Orphanet 420741, MedGen C2677792, MONDO:0012764, OMIM 611943.

Allele frequency attached by ClinVar (database versions not stated): 1000 Genomes Project 30x 0.40209; 1000 Genomes Project 0.40236; TOPMed 0.47252; gnomAD 0.49737 and 0.49746; ESP Exome Variant Server 0.51722; gnomAD exomes 0.53604 and 0.59563; ExAC 0.54049.
gnomAD v4.1: 945,363 of 1,613,568 alleles (59%); highest among the groups gnomAD compares: Non-Finnish European, 62%; 287,146 homozygotes.

Submissions (7):

Labcorp Genetics (formerly Invitae), Labcorp
Classification: Benign. Last evaluated: 2026-02-04. Review status: criteria provided, single submitter. Criteria: Invitae Variant Classification Sherloc (09022015). Collection method: clinical testing. Allele origin: germline.

Blueprint Genetics
Classification: Likely benign. Last evaluated: 2024-11-26. Review status: criteria provided, single submitter. Criteria: ACMG Guidelines, 2015. Collection method: clinical testing. Allele origin: germline.

KCCC/NGS Laboratory, Kuwait Cancer Control Center
Classification: Benign for RIDDLE syndrome. Last evaluated: 2023-07-07. Review status: criteria provided, single submitter. Criteria: ACMG Guidelines, 2015. Collection method: clinical testing. Allele origin: germline. Affected: yes.

Genome-Nilou Lab
Classification: Benign for RIDDLE syndrome. Last evaluated: 2021-11-07. Review status: criteria provided, single submitter. Criteria: ACMG Guidelines, 2015. Collection method: clinical testing. Allele origin: germline. Affected: no.

Mayo Clinic Laboratories, Mayo Clinic
Classification: Benign. Last evaluated: 2016-10-04. Review status: criteria provided, single submitter. Criteria: ACMG Guidelines, 2015. Collection method: clinical testing. Allele origin: germline. Observed: 102 variant alleles.

Laboratory for Molecular Medicine, Mass General Brigham Personalized Medicine
Classification: Benign. Last evaluated: 2016-03-29. Review status: criteria provided, single submitter. Criteria: LMM Criteria. Collection method: clinical testing. Allele origin: germline.
Comment: Variant identified in a genome or exome case(s) and assessed due to predicted null impact of the variant or pathogenic assertions in the literature or databases. Disclaimer: This variant has not undergone full assessment. The following are preliminary notes: Frequency

Breakthrough Genomics
Classification: Benign. Review status: criteria provided, single submitter. Criteria: ACMG Guidelines, 2015. Collection method: not provided. Allele origin: germline. Inheritance: Autosomal recessive inheritance. Affected: yes.